The following is an entry in ClinVar:

ClinVar aggregate classification (germline): Uncertain significance (1 of 4 stars; one submission).

gnomAD v4.1: 1 of 1,601,324 alleles (0.000062%); highest among the groups gnomAD compares: Non-Finnish European, 0.000085%; no homozygotes.

Submission:

Ambry Genetics
Classification: Uncertain significance. Last evaluated: 2025-01-02. Review status: criteria provided, single submitter. Criteria: Ambry Variant Classification Scheme 2023. Collection method: clinical testing. Allele origin: germline.
Comment: The p.K48Q variant (also known as c.142A>C), located in coding exon 2 of the GFI1 gene, results from an A to C substitution at nucleotide position 142. The lysine at codon 48 is replaced by glutamine, an amino acid with similar properties. This amino acid position is conserved. In addition, this alteration is predicted to be tolerated by in silico analysis. Based on the available evidence, the clinical significance of this variant remains unclear.

NM_005263.5(GFI1):c.142A>C (p.Lys48Gln)

Gene: GFI1 (growth factor independent 1 transcriptional repressor; minus strand). Cytogenetic location: 1p22.1.
Variant type: single nucleotide variant.
Coding change: c.142A>C on transcript NM_005263.5 (MANE Select); coding-DNA position 142, A replaced by C.
Protein change: p.Lys48Gln; replaces lysine 48 with glutamine.
Molecular consequence: missense variant.
Genome position (GRCh38, 1-based): chr1:92,483,020, T>G on the plus strand (A>C on the coding strand, the complement: GFI1 is on the minus strand). VCF-style: chr1-92483020-T-G. GRCh37 (hg19) VCF-style: chr1-92948577-T-G.
Other names: c.142A>C, p.Lys48Gln (NM_001127215.3, NM_001127216.3); short protein forms K48Q.
Identifiers: ClinVar variation 3853675 (VCV003853675.1).